The following is an entry in ClinVar:

NM_001267550.2(TTN):c.84557dup (p.Ile28187fs)

Genes: TTN (titin; minus strand), TTN-AS1 (TTN antisense RNA 1; plus strand). Cytogenetic location: 2q31.2.
Variant type: Duplication.
Coding change: c.84557dup on transcript NM_001267550.2 (MANE Select); coding-DNA position 84557, one base duplicated (T; older notation c.84557dupT).
Protein change: p.Ile28187fs; shifts the reading frame from isoleucine 28187.
Molecular consequence: frameshift variant.
Genome position (GRCh38, 1-based): chr2:178,561,575, A duplicated on the plus strand (T on the coding strand, the reverse complement: TTN is on the minus strand). VCF-style (leftmost placement, unchanged base first): chr2-178561574-T-TA. GRCh37 (hg19) VCF-style: chr2-179426301-T-TA.
Other names: c.79634dup, p.Ile26546fs (NM_001256850.1); c.57362dup, p.Ile19122fs (NM_003319.4); c.76853dup, p.Ile25619fs (NM_133378.4); c.57737dup, p.Ile19247fs (NM_133432.3); c.57938dup, p.Ile19314fs (NM_133437.4); c.57362dupT (NM_003319.4); short protein forms I19122fs, I25619fs, I28187fs, I19247fs, I19314fs, I26546fs.
Identifiers: ClinVar variation 518906 (VCV000518906.5), dbSNP rs1553564589, ClinGen allele CA658795999.
Genomic context (GRCh38, chr2:178,561,574, plus strand): 5'-TTTATTTGCTTTTGACCAAAGAATGCTGCTTCTTTCTTTATACTCAAGATGATAGCCAAT[T>TA]ACTCGACTTCCTCCATCATTAACTGGCACTTGCCAGGTTACAAGCATGGTAGATTTTGTG-3'

ClinVar aggregate classification (germline): Likely pathogenic (1 of 4 stars; one submission).

Conditions:
Cardiovascular phenotype. Identifiers: MedGen CN230736.

Submission:

Ambry Genetics
Classification: Likely pathogenic for Cardiovascular phenotype. Last evaluated: 2016-03-24. Review status: criteria provided, single submitter. Criteria: Ambry Variant Classification Scheme 2023. Collection method: clinical testing. Allele origin: germline.
Comment: The c.57362dupT variant, located in coding exon 153 of the TTN gene, results from a duplication of T at nucleotide position 57362, causing a translational frameshift with a predicted alternate stop codon (p.I19122Nfs*6). This alteration is located in the A-band region of the titin protein. Truncating alterations in TTN have been observed at a significantly higher frequency among patients with dilated cardiomyopathy (DCM), or 54/203 (27%), compared to patients with hypertrophic cardiomyopathy (3 of 231, 1%, P=3x10-16) and healthy controls (7 of 249, 3%, P=9x10-14). Among families with multiple relatives with DCM, studies also provided strong data demonstrating segregation of TTN truncations with disease (Herman DS et al. N Engl J Med. 2012;366(7):619-28; Pugh TJ et al. Genet Med. 2014;16(8):601-8). This variant was not reported in population based cohorts in the following databases: Database of Single Nucleotide Polymorphisms (dbSNP), NHLBI Exome Sequencing Project (ESP), and 1000 Genomes Project. In the ESP, this variant was not observed in 6016 samples (12032 alleles) with coverage at this position. The functional mechanism of TTN truncations leading to cardiomyopathy is not well understood; however, frameshifts are typically deleterious in nature (ACMG Standards and guidelines for the interpretation of sequence variants. Genet Med. 2015;17(5):405-24). As such, this variant is classified as likely pathogenic.

Literature cited by the submitters: PubMed 22335739; PubMed 24503780.